The following is an entry in ClinVar:

ClinVar aggregate classification (germline): Benign (1 of 4 stars; one submission).

Allele frequency attached by ClinVar (database versions not stated): gnomAD 0.12701 and 0.11879; TOPMed 0.11644; 1000 Genomes Project 30x 0.17739; 1000 Genomes Project 0.18071.

Submission:

GeneDx
Classification: Benign. Last evaluated: 2018-06-19. Review status: criteria provided, single submitter. Criteria: GeneDx Variant Classification (06012015). Collection method: clinical testing. Allele origin: germline. Affected: yes.
Comment: This variant is considered likely benign or benign based on one or more of the following criteria: it is a conservative change, it occurs at a poorly conserved position in the protein, it is predicted to be benign by multiple in silico algorithms, and/or has population frequency not consistent with disease.

NM_014244.4(ADAMTS2):c.-302G>C

Gene: ADAMTS2 (ADAM metallopeptidase with thrombospondin type 1 motif 2; minus strand). Cytogenetic location: 5q35.3.
Variant type: single nucleotide variant.
Coding change: c.-302G>C on transcript NM_014244.4; 302 bases upstream of the start codon, G replaced by C.
Genome position (GRCh38, 1-based): chr5:179,345,630, C>G on the plus strand (G>C on the coding strand, the complement: ADAMTS2 is on the minus strand). VCF-style: chr5-179345630-C-G. GRCh37 (hg19) VCF-style: chr5-178772631-C-G.
Identifiers: ClinVar variation 668935 (VCV000668935.3), dbSNP rs190115185, ClinGen allele CA11956130.
Genomic context (GRCh38, chr5:179,345,630, plus strand): 5'-CGGGGACGGCGGGCGCCTCAGCCTGCGGTGACCCGGCGCATCTTGGCGCGGCCGCCGCCG[C>G]CGCCCGCTTCCCTCTTCGCGCCGCCGTCGCCGCGGTGCCGGGCTCGCAGCGAAGCAGAGA-3'